The following is an entry in ClinVar:

NM_000179.3(MSH6):c.1012A>T (p.Arg338Ter)

Gene: MSH6 (mutS homolog 6; plus strand). Cytogenetic location: 2p16.3.
Variant type: single nucleotide variant.
Coding change: c.1012A>T on transcript NM_000179.3 (MANE Select); coding-DNA position 1012, A replaced by T.
Protein change: p.Arg338Ter; replaces arginine 338 with a stop codon.
Molecular consequence: nonsense.
Genome position (GRCh38, 1-based): chr2:47,798,995, A>T. VCF-style: chr2-47798995-A-T. GRCh37 (hg19) VCF-style: chr2-48026134-A-T.
Other names: c.622A>T, p.Arg208Ter (NM_001281492.2); c.106A>T, p.Arg36Ter (NM_001281493.2, NM_001281494.2); short protein forms R338*, R208*, R36*.
Identifiers: ClinVar variation 428445 (VCV000428445.18), dbSNP rs1114167804, ClinGen allele CA346741265.

ClinVar aggregate classification (germline): Pathogenic. Review status: criteria provided, multiple submitters, no conflicts (2 of 4 stars). 4 submissions from 4 submitters: Pathogenic (4). Last evaluated 2025-07-31.

Conditions:
Hereditary cancer-predisposing syndrome. Also called: Hereditary Cancer Syndrome; Neoplastic Syndromes, Hereditary; Hereditary neoplastic syndrome; Tumor predisposition. Identifiers: Orphanet 140162, MedGen C0027672, MeSH D009386, MONDO:0015356.
Lynch syndrome 5 (LYNCH5). Also called: Hereditary non-polyposis colorectal cancer, type 5; Colorectal cancer, hereditary nonpolyposis, type 5. Identifiers: Orphanet 144, MedGen C1833477, MONDO:0013710, OMIM 614350. Disease mechanism: loss of function.
Hereditary nonpolyposis colorectal neoplasms. Identifiers: MedGen C0009405, MeSH D003123.

Submissions (4):

Ambry Genetics
Classification: Pathogenic for Hereditary cancer-predisposing syndrome. Last evaluated: 2025-07-31. Review status: criteria provided, single submitter. Criteria: Ambry Variant Classification Scheme 2023. Collection method: clinical testing. Allele origin: germline.
Comment: The p.R338* pathogenic mutation (also known as c.1012A>T), located in coding exon 4 of the MSH6 gene, results from an A to T substitution at nucleotide position 1012. This changes the amino acid from an arginine to a stop codon within coding exon 4. This variant is considered to be rare based on population cohorts in the Genome Aggregation Database (gnomAD). This alteration is expected to result in loss of function by premature protein truncation or nonsense-mediated mRNA decay. As such, this alteration is interpreted as a disease-causing mutation.

Labcorp Genetics (formerly Invitae), Labcorp
Classification: Pathogenic for Hereditary nonpolyposis colorectal neoplasms. Last evaluated: 2024-11-04. Review status: criteria provided, single submitter. Criteria: Invitae Variant Classification Sherloc (09022015). Collection method: clinical testing. Allele origin: germline.
Comment: This sequence change creates a premature translational stop signal (p.Arg338*) in the MSH6 gene. It is expected to result in an absent or disrupted protein product. Loss-of-function variants in MSH6 are known to be pathogenic (PMID: 18269114, 24362816). This variant is not present in population databases (gnomAD no frequency). This variant has not been reported in the literature in individuals affected with MSH6-related conditions. ClinVar contains an entry for this variant (Variation ID: 428445). For these reasons, this variant has been classified as Pathogenic.

GeneDx
Classification: Pathogenic. Last evaluated: 2023-11-09. Review status: criteria provided, single submitter. Criteria: GeneDx Variant Classification Process June 2021. Collection method: clinical testing. Allele origin: germline. Affected: yes.
Comment: Nonsense variant predicted to result in protein truncation or nonsense mediated decay in a gene for which loss of function is a known mechanism of disease; Not observed at significant frequency in large population cohorts (gnomAD); Truncating variants in this gene are considered pathogenic by a well-established clinical consortium and/or database; Has not been previously published as pathogenic or benign to our knowledge

Myriad Genetics, Inc.
Classification: Pathogenic for Lynch syndrome 5. Last evaluated: 2023-08-11. Review status: criteria provided, single submitter. Criteria: Myriad Autosomal Dominant, Autosomal Recessive and X-Linked Classification Criteria (2023). Collection method: clinical testing. Allele origin: unknown.
Comment: This variant is considered pathogenic. This variant creates a termination codon and is predicted to result in premature protein truncation.

Literature cited by the submitters: PubMed 18269114 (cited by Labcorp Genetics (formerly Invitae), Labcorp); PubMed 24362816 (cited by Labcorp Genetics (formerly Invitae), Labcorp).